The following is an entry in ClinVar:

ClinVar aggregate classification (germline): Conflicting classifications of pathogenicity. Review status: criteria provided, conflicting classifications (1 of 4 stars). 4 submissions from 4 submitters: Uncertain significance (3); Likely benign (1). Last evaluated 2026-08-17.

Conditions:
Hereditary nonpolyposis colorectal neoplasms. Identifiers: MedGen C0009405, MeSH D003123.
Hereditary cancer-predisposing syndrome. Also called: Hereditary Cancer Syndrome; Tumor predisposition; Hereditary neoplastic syndrome; Neoplastic Syndromes, Hereditary. Identifiers: Orphanet 140162, MedGen C0027672, MeSH D009386, MONDO:0015356.

Allele frequency attached by ClinVar (database versions not stated): gnomAD exomes below 0.00001; gnomAD 0.00001; TOPMed 0.00001.
gnomAD v4.1: 3 of 1,613,934 alleles (0.00019%); highest among the groups gnomAD compares: African/African-American, 0.0013%; no homozygotes.

Submissions (4):

Ambry Genetics
Classification: Likely benign for Hereditary cancer-predisposing syndrome. Last evaluated: 2026-08-17. Review status: criteria provided, single submitter. Criteria: Ambry Variant Classification Scheme 2023. Collection method: clinical testing. Allele origin: germline.

Labcorp Genetics (formerly Invitae), Labcorp
Classification: Uncertain significance for Hereditary nonpolyposis colorectal neoplasms. Last evaluated: 2025-08-12. Review status: criteria provided, single submitter. Criteria: Invitae Variant Classification Sherloc (09022015). Collection method: clinical testing. Allele origin: germline.
Comment: This sequence change replaces aspartic acid, which is acidic and polar, with tyrosine, which is neutral and polar, at codon 619 of the PMS2 protein (p.Asp619Tyr). This variant is not present in population databases (gnomAD no frequency). This variant has not been reported in the literature in individuals affected with PMS2-related conditions. ClinVar contains an entry for this variant (Variation ID: 525606). Invitae Evidence Modeling incorporating data from in vitro experimental studies (internal data) indicates that this missense variant is not expected to disrupt PMS2 function with a negative predictive value of 95%. In summary, the available evidence is currently insufficient to determine the role of this variant in disease. Therefore, it has been classified as a Variant of Uncertain Significance.

Institute for Biomarker Research, Medical Diagnostic Laboratories, L.L.C.
Classification: Uncertain significance for Hereditary cancer-predisposing syndrome. Last evaluated: 2024-03-19. Review status: criteria provided, single submitter. Criteria: ACMG Guidelines, 2015. Collection method: clinical testing. Allele origin: germline.

Color Diagnostics, LLC DBA Color Health
Classification: Uncertain significance for Hereditary cancer-predisposing syndrome. Last evaluated: 2024-03-06. Review status: criteria provided, single submitter. Criteria: ACMG Guidelines, 2015. Collection method: clinical testing. Allele origin: germline.
Comment: This missense variant replaces aspartic acid with tyrosine at codon 619 of the PMS2 protein. Computational prediction suggests that this variant may not impact protein structure and function (internally defined REVEL score threshold <= 0.5, PMID: 27666373). To our knowledge, functional studies have not been reported for this variant. This variant has not been reported in individuals affected with hereditary cancer in the literature. This variant has not been identified in the general population by the Genome Aggregation Database (gnomAD). The available evidence is insufficient to determine the role of this variant in disease conclusively. Therefore, this variant is classified as a Variant of Uncertain Significance.

NM_000535.7(PMS2):c.1855G>T (p.Asp619Tyr)

Gene: PMS2 (PMS1 homolog 2, mismatch repair system component; minus strand). Cytogenetic location: 7p22.1.
Variant type: single nucleotide variant.
Coding change: c.1855G>T on transcript NM_000535.7 (MANE Select); coding-DNA position 1855, G replaced by T.
Protein change: p.Asp619Tyr; replaces aspartic acid 619 with tyrosine.
Molecular consequence: missense variant. On other transcripts: non-coding transcript variant (1).
Genome position (GRCh38, 1-based): chr7:5,986,910, C>A on the plus strand (G>T on the coding strand, the complement: PMS2 is on the minus strand). VCF-style: chr7-5986910-C-A. GRCh37 (hg19) VCF-style: chr7-6026541-C-A.
Other names: c.1450G>T, p.Asp484Tyr (NM_001322003.2, NM_001322004.2, NM_001322005.2 and 1 more transcripts); c.1699G>T, p.Asp567Tyr (NM_001322006.2); c.1537G>T, p.Asp513Tyr (NM_001322007.2, NM_001322008.2); c.1294G>T, p.Asp432Tyr (NM_001322010.2); c.922G>T, p.Asp308Tyr (NM_001322011.2, NM_001322012.2); c.1282G>T, p.Asp428Tyr (NM_001322013.2); c.1855G>T, p.Asp619Tyr (NM_001322014.2); c.1546G>T, p.Asp516Tyr (NM_001322015.2); short protein forms D619Y, D484Y, D308Y, D432Y, D428Y, D513Y, D516Y, D567Y.
Identifiers: ClinVar variation 525606 (VCV000525606.17), dbSNP rs1179605136, ClinGen allele CA366739573.
Genomic context (GRCh38, chr7:5,986,910, plus strand): 5'-TTTGCTGTGCTTCATGATGTAACTGCTTTATTCGTTTAGCTAAAGAACTCATAGAAAAGT[C>A]CAGGGGCACAACTTTCTTATTAATTTTCACAGCTACATCAACCTGAGAGGCTGACATGTC-3'
Protein context (NP_000526.2, residues 609-629): VKINKKVVPL[Asp619Tyr]FSMSSLAKRI